The following is an entry in ClinVar:

ClinVar aggregate classification (germline): Uncertain significance (1 of 4 stars; one submission).

Conditions:
Combined immunodeficiency due to CTPS1 deficiency. Also called: Immunodeficiency 24; Severe combined immunodeficiency due to CTPS1 deficiency. Identifiers: Orphanet 420573, MedGen C4014617, MONDO:0014391, OMIM 615897.

gnomAD v4.1: 15 of 1,614,148 alleles (0.00093%); highest among the groups gnomAD compares: Non-Finnish European, 0.0012%; no homozygotes.

Submission:

Labcorp Genetics (formerly Invitae), Labcorp
Classification: Uncertain significance for Combined immunodeficiency due to CTPS1 deficiency. Last evaluated: 2023-11-18. Review status: criteria provided, single submitter. Criteria: Invitae Variant Classification Sherloc (09022015). Collection method: clinical testing. Allele origin: germline.
Comment: This sequence change replaces serine, which is neutral and polar, with proline, which is neutral and non-polar, at codon 562 of the CTPS1 protein (p.Ser562Pro). This variant is not present in population databases (gnomAD no frequency). This variant has not been reported in the literature in individuals affected with CTPS1-related conditions. ClinVar contains an entry for this variant (Variation ID: 1956050). An algorithm developed to predict the effect of missense changes on protein structure and function (PolyPhen-2) suggests that this variant¬†is likely to be tolerated. In summary, the available evidence is currently insufficient to determine the role of this variant in disease. Therefore, it has been classified as a Variant of Uncertain Significance.

NM_001905.4(CTPS1):c.1684T>C (p.Ser562Pro)

Gene: CTPS1 (CTP synthase 1; plus strand). Cytogenetic location: 1p34.2.
Variant type: single nucleotide variant.
Coding change: c.1684T>C on transcript NM_001905.4 (MANE Select); coding-DNA position 1684, T replaced by C.
Protein change: p.Ser562Pro; replaces serine 562 with proline.
Molecular consequence: missense variant. On other transcripts: non-coding transcript variant (1).
Genome position (GRCh38, 1-based): chr1:41,009,582, T>C. VCF-style: chr1-41009582-T-C. GRCh37 (hg19) VCF-style: chr1-41475254-T-C.
Other names: c.1216T>C, p.Ser406Pro (NM_001301237.2); short protein forms S562P, S406P.
Identifiers: ClinVar variation 1956050 (VCV001956050.4), dbSNP rs1643118670, ClinGen allele CA339906808.